The following is an entry in ClinVar:

NM_001195263.2(PDZD7):c.2123G>A (p.Arg708His)

Gene: PDZD7 (PDZ domain containing 7; minus strand). Cytogenetic location: 10q24.31.
Variant type: single nucleotide variant.
Coding change: c.2123G>A on transcript NM_001195263.2 (MANE Select); coding-DNA position 2123, G replaced by A.
Protein change: p.Arg708His; replaces arginine 708 with histidine.
Molecular consequence: missense variant.
Genome position (GRCh38, 1-based): chr10:101,010,766, C>T on the plus strand (G>A on the coding strand, the complement: PDZD7 is on the minus strand). VCF-style: chr10-101010766-C-T. GRCh37 (hg19) VCF-style: chr10-102770523-C-T.
Other names: short protein forms R708H.
Identifiers: ClinVar variation 1023975 (VCV001023975.7), dbSNP rs372148542, ClinGen allele CA212978861.

ClinVar aggregate classification (germline): Uncertain significance. Review status: criteria provided, multiple submitters, no conflicts (2 of 4 stars). 3 submissions from 3 submitters: Uncertain significance (3). Last evaluated 2026-09-09.

Conditions:
Inborn genetic diseases. Identifiers: MedGen C0950123, MeSH D030342.

Allele frequency attached by ClinVar (database versions not stated): TOPMed 0.00003; gnomAD 0.00004.

Submissions (3):

GeneDx
Classification: Uncertain significance. Last evaluated: 2026-09-09. Review status: criteria provided, single submitter. Criteria: GeneDx Variant Classification Process June 2021. Collection method: clinical testing. Allele origin: germline.
Comment: In silico analysis suggests that this missense variant does not alter protein structure/function; Has not been previously published as pathogenic or benign to our knowledge

Labcorp Genetics (formerly Invitae), Labcorp
Classification: Uncertain significance. Last evaluated: 2022-07-09. Review status: criteria provided, single submitter. Criteria: Invitae Variant Classification Sherloc (09022015). Collection method: clinical testing. Allele origin: germline.
Comment: This sequence change replaces arginine, which is basic and polar, with histidine, which is basic and polar, at codon 708 of the PDZD7 protein (p.Arg708His). The frequency data for this variant in the population databases is considered unreliable, as metrics indicate poor data quality at this position in the gnomAD database. This variant has not been reported in the literature in individuals affected with PDZD7-related conditions. ClinVar contains an entry for this variant (Variation ID: 1023975). Algorithms developed to predict the effect of missense changes on protein structure and function output the following: SIFT: "Tolerated"; PolyPhen-2: "Not Available"; Align-GVGD: "Class C0". The histidine amino acid residue is found in multiple mammalian species, which suggests that this missense change does not adversely affect protein function. In summary, the available evidence is currently insufficient to determine the role of this variant in disease. Therefore, it has been classified as a Variant of Uncertain Significance.

Ambry Genetics
Classification: Uncertain significance for Inborn genetic diseases. Last evaluated: 2021-09-16. Review status: criteria provided, single submitter. Criteria: Ambry Variant Classification Scheme 2023. Collection method: clinical testing. Allele origin: germline.